The following is an entry in ClinVar:

NM_002335.4(LRP5):c.2718_2721del (p.Met907fs)

Gene: LRP5 (LDL receptor related protein 5; plus strand). Cytogenetic location: 11q13.2.
Variant type: Deletion.
Coding change: c.2718_2721del on transcript NM_002335.4 (MANE Select); coding-DNA positions 2718 to 2721, 4 bases deleted (TATG; older notation c.2718_2721delTATG).
Protein change: p.Met907fs; shifts the reading frame from methionine 907.
Molecular consequence: frameshift variant.
Genome position (GRCh38, 1-based): chr11:68,413,903-68,413,906, TATG deleted; deleting any 4 consecutive bases within chr11:68,413,901-68,413,906 gives the same sequence; the c. name uses the placement nearest the transcript's 3' end. VCF-style (leftmost placement, unchanged base first): chr11-68413900-CTGTA-C. GRCh37 (hg19) VCF-style: chr11-68181368-CTGTA-C.
Other names: c.975_978del, p.Met326fs (NM_001291902.2); c.2718_2721delTATG (NM_002335.2, NM_002335.3); c.2718_2721del (NM_002335.2); short protein forms M326fs, M907fs.
Identifiers: ClinVar variation 520844 (VCV000520844.17), dbSNP rs1244761864, ClinGen allele CA16609647.

ClinVar aggregate classification (germline): Pathogenic. Review status: criteria provided, multiple submitters, no conflicts (2 of 4 stars). 6 submissions from 6 submitters: Pathogenic (6). Last evaluated 2026-09-24.

Conditions:
Inborn genetic diseases. Identifiers: MedGen C0950123, MeSH D030342.
LRP5-related disorder. Also called: LRP5-related condition.
Exudative vitreoretinopathy 4 (EVR4). Identifiers: Orphanet 891, MedGen C1866176, MONDO:0011151, OMIM 601813.

Submissions (6):

GeneDx
Classification: Pathogenic. Last evaluated: 2026-09-24. Review status: criteria provided, single submitter. Criteria: GeneDx Variant Classification Process June 2021. Collection method: clinical testing. Allele origin: germline.
Comment: Frameshift variant predicted to result in protein truncation or nonsense mediated decay in a gene for which loss of function is a known mechanism of disease; Not observed at significant frequency in large population cohorts (gnomAD); This variant is associated with the following publications: (PMID: 25711638, 30894705, 16252235, 39903177, 40458664, 29565416)

Labcorp Genetics (formerly Invitae), Labcorp
Classification: Pathogenic. Last evaluated: 2025-06-09. Review status: criteria provided, single submitter. Criteria: Invitae Variant Classification Sherloc (09022015). Collection method: clinical testing. Allele origin: germline.
Comment: This sequence change creates a premature translational stop signal (p.Met907Thrfs*52) in the LRP5 gene. It is expected to result in an absent or disrupted protein product. Loss-of-function variants in LRP5 are known to be pathogenic (PMID: 11719191, 16252235, 25711638). This variant is not present in population databases (gnomAD no frequency). This premature translational stop signal has been observed in individual(s) with exudative vitreoretinopathy (PMID: 16252235, 30894705). This variant is also known as p.C906fs. ClinVar contains an entry for this variant (Variation ID: 520844). For these reasons, this variant has been classified as Pathogenic.

Victorian Clinical Genetics Services, Murdoch Childrens Research Institute
Classification: Pathogenic for Exudative vitreoretinopathy 4. Last evaluated: 2022-03-31. Review status: criteria provided, single submitter. Criteria: ACMG Guidelines, 2015. Collection method: clinical testing. Allele origin: germline. Affected: no.
Comment: Based on the classification scheme VCGS_Germline_v1.3.4, this variant is classified as Pathogenic. Following criteria are met: 0103 - Loss of function and gain of function are known mechanisms of disease in this gene and are associated with exudative vitreoretinopathy 4 (FEVR; MIM#601813) and osteoporosis-pseudoglioma syndrome (OPPG; MIM#259770); and autosomal dominant osteopetrosis (MIM#607634), respectively (PMID: 31827910, 23744590). (I) 0108 - This gene is associated with both recessive and dominant disease. Exudative vitreoretinopathy 4 (MIM#601813) can be both autosomal dominant or recessive and is considered to be part of the spectrum of autosomal recessive osteoporosis-pseudoglioma syndrome (MIM#259770). There is currently no clear genotype-phenotype correlation distinguishing these two conditions. Instead, the functional severity of the variant determines the phenotypic consequences (PMID: 31827910). On the other hand, missense variants clustered within the first b-propeller extracellular domain are associated with autosomal dominant osteopetrosis (MIM#607634; PMID: 23744590) (I) 0115 - Variants in this gene are known to have variable expressivity. Intra-familial variability has been reported for FEVR (MIM#601813) and osteopetrosis (MIM#607634; PMID: 23744590, 25323851). (I) 0201 - Variant is predicted to cause nonsense-mediated decay (NMD) and loss of protein (premature termination codon is located at least 54 nucleotides upstream of the final exon-exon junction). (SP) 0251 - This variant is heterozygous. (I) 0304 - Variant is present in gnomAD <0.01 (v3: 1 heterozygote, 0 homozygotes). (SP) 0701 - Other NMD-predicted variants comparable to the one identified in this case have very strong previous evidence for pathogenicity (ClinVar, DECIPHER). (SP) 0801 - This variant has strong previous evidence of pathogenicity in unrelated individuals. It has been reported in two compound heterozygous individuals, one of whom was diagnosed with OPPG (PMID: 16252235, 29565416); and heterozygous in one family with FEVR, in which the variant segregated across multiple affecteds, indicating autosomal dominant inheritance (PMID: 25711638). Diagnostic laboratories in ClinVar also consistently classified this variant as pathogenic. (SP) 1208 - Inheritance information for this variant is not currently available in this individual. (I) Legend: (SP) - Supporting pathogenic, (I) - Information, (SB) - Supporting benign

Blueprint Genetics
Classification: Pathogenic for LRP5-related disorders. Last evaluated: 2019-10-31. Review status: criteria provided, single submitter. Criteria: ACMG Guidelines, 2015. Collection method: clinical testing. Allele origin: germline. Affected: yes. Observed: 2 variant alleles.

Eurofins Ntd Llc (ga)
Classification: Pathogenic. Last evaluated: 2018-06-29. Review status: criteria provided, single submitter. Criteria: EGL ClinVar v180209 classification definitions. Collection method: clinical testing. Allele origin: germline. Observed: 1 variant allele, 1 heterozygote.

Ambry Genetics
Classification: Pathogenic for Inborn genetic diseases. Last evaluated: 2015-10-21. Review status: criteria provided, single submitter. Criteria: Ambry exome assertion method (8-5-2015). Collection method: clinical testing. Allele origin: germline. Affected: yes. Observed: 2 variant alleles.

Literature cited by the submitters: PubMed 11719191 (cited by Labcorp Genetics (formerly Invitae), Labcorp); PubMed 16252235 (cited by 3 submitters); PubMed 25711638 (cited by Labcorp Genetics (formerly Invitae), Labcorp and Victorian Clinical Genetics Services, Murdoch Childrens Research Institute); PubMed 30894705 (cited by Labcorp Genetics (formerly Invitae), Labcorp); PubMed 23744590 (cited by Victorian Clinical Genetics Services, Murdoch Childrens Research Institute); PubMed 25323851 (cited by Victorian Clinical Genetics Services, Murdoch Childrens Research Institute); PubMed 29565416 (cited by Victorian Clinical Genetics Services, Murdoch Childrens Research Institute); PubMed 31827910 (cited by Victorian Clinical Genetics Services, Murdoch Childrens Research Institute).